The following is an entry in ClinVar:

ClinVar aggregate classification (germline): Uncertain significance (1 of 4 stars; one submission).

Submission:

Labcorp Genetics (formerly Invitae), Labcorp
Classification: Uncertain significance. Last evaluated: 2025-03-04. Review status: criteria provided, single submitter. Criteria: Invitae Variant Classification Sherloc (09022015). Collection method: clinical testing. Allele origin: germline.
Comment: This sequence change replaces proline, which is neutral and non-polar, with leucine, which is neutral and non-polar, at codon 40 of the TRPV6 protein (p.Pro40Leu). Information on the frequency of this variant in the gnomAD database is not available, as this variant may be reported differently in the database. This variant has not been reported in the literature in individuals affected with TRPV6-related conditions. ClinVar contains an entry for this variant (Variation ID: 2885002). Experimental studies and prediction algorithms are not available or were not evaluated, and the functional significance of this variant is currently unknown. In summary, the available evidence is currently insufficient to determine the role of this variant in disease. Therefore, it has been classified as a Variant of Uncertain Significance.

NM_018646.6(TRPV6):c.119_120delinsTT (p.Pro40Leu)

Gene: TRPV6 (transient receptor potential cation channel subfamily V member 6; minus strand). Cytogenetic location: 7q34.
Variant type: Indel.
Coding change: c.119_120delinsTT on transcript NM_018646.6 (MANE Select); coding-DNA positions 119 to 120, CC replaced by TT.
Protein change: p.Pro40Leu; replaces proline 40 with leucine.
Molecular consequence: missense variant.
Genome position (GRCh38, 1-based): chr7:142,885,517-142,885,518, GG replaced by AA on the plus strand (CC replaced by TT on the coding strand, the reverse complement: TRPV6 is on the minus strand). VCF-style: chr7-142885517-GG-AA. GRCh37 (hg19) VCF-style: chr7-142583262-GG-AA.
Other names: short protein forms P40L.
Identifiers: ClinVar variation 2885002 (VCV002885002.3), dbSNP rs2486227137, ClinGen allele CA2739279057.